The following is an entry in ClinVar:

NM_004036.5(ADCY3):c.3141C>T (p.Gly1047=)

Genes: ADCY3 (adenylate cyclase 3; minus strand), CENPO (centromere protein O; plus strand). Cytogenetic location: 2p23.3.
Variant type: single nucleotide variant.
Coding change: c.3141C>T on transcript NM_004036.5 (MANE Select); coding-DNA position 3141, C replaced by T.
Protein change: p.Gly1047=; no amino-acid change (glycine 1047 retained).
Molecular consequence: synonymous variant. On other transcripts: 3 prime UTR variant (3), non-coding transcript variant (3).
Genome position (GRCh38, 1-based): chr2:24,820,835, G>A on the plus strand (C>T on the coding strand, the complement: ADCY3 is on the minus strand). VCF-style: chr2-24820835-G-A. GRCh37 (hg19) VCF-style: chr2-25043704-G-A.
Other names: c.3144C>T, p.Gly1048= (NM_001320613.2); c.3207C>T, p.Gly1069= (NM_001377128.1); c.3003C>T, p.Gly1001= (NM_001377129.1); c.2589C>T, p.Gly863= (NM_001377130.1); c.2418C>T, p.Gly806= (NM_001377131.1); c.3141C>T, p.Gly1047= (NM_001377132.1); c.*1517G>A (NM_001199803.3, NM_001322101.2, NM_024322.4).
Identifiers: ClinVar variation 1634482 (VCV001634482.10), dbSNP rs556248650, ClinGen allele CA1553484.

ClinVar aggregate classification (germline): Likely benign. Review status: criteria provided, single submitter (1 of 4 stars). 2 submissions from 2 submitters: Likely benign (1). 1 of the submissions does not count toward it. Last evaluated 2025-12-01.

Conditions:
ADCY3-related disorder. Also called: ADCY3-related condition.

Allele frequency attached by ClinVar (database versions not stated): TOPMed 0.00001; gnomAD 0.00002; ExAC 0.00004; 1000 Genomes Project 30x 0.00016; 1000 Genomes Project 0.00020.
gnomAD v4.1: 35 of 1,613,918 alleles (0.0022%); highest among the groups gnomAD compares: Admixed American, 0.0033%; no homozygotes.

Submissions (2):

Labcorp Genetics (formerly Invitae), Labcorp
Classification: Likely benign. Last evaluated: 2025-12-01. Review status: criteria provided, single submitter. Criteria: Invitae Variant Classification Sherloc (09022015). Collection method: clinical testing. Allele origin: germline.

PreventionGenetics, part of Exact Sciences
Classification: Likely benign for ADCY3-related condition. Last evaluated: 2024-01-07. Review status: no assertion criteria provided. Collection method: clinical testing. Allele origin: germline. Not counted in ClinVar's aggregate classification.
Comment: This variant is classified as likely benign based on ACMG/AMP sequence variant interpretation guidelines (Richards et al. 2015 PMID: 25741868, with internal and published modifications).